The following is an entry in ClinVar:

ClinVar aggregate classification (germline): Benign (1 of 4 stars; one submission).

Allele frequency attached by ClinVar (database versions not stated): gnomAD 0.06860 and 0.07186; TOPMed 0.07665; 1000 Genomes Project 0.07708; 1000 Genomes Project 30x 0.08214.
gnomAD v4.1: 10,368 of 152,152 alleles (6.8%); highest among the groups gnomAD compares: African/African-American, 19%; 843 homozygotes.

Submission:

GeneDx
Classification: Benign. Last evaluated: 2018-06-16. Review status: criteria provided, single submitter. Criteria: GeneDx Variant Classification (06012015). Collection method: clinical testing. Allele origin: germline. Affected: yes.
Comment: This variant is considered likely benign or benign based on one or more of the following criteria: it is a conservative change, it occurs at a poorly conserved position in the protein, it is predicted to be benign by multiple in silico algorithms, and/or has population frequency not consistent with disease.

NM_004369.4(COL6A3):c.9229+245T>A

Gene: COL6A3 (collagen type VI alpha 3 chain; minus strand). Cytogenetic location: 2q37.3.
Variant type: single nucleotide variant.
Coding change: c.9229+245T>A on transcript NM_004369.4 (MANE Select); 245 bases into the intron after coding-DNA position 9229, T replaced by A.
Molecular consequence: intron variant.
Genome position (GRCh38, 1-based): chr2:237,334,381, A>T on the plus strand (T>A on the coding strand, the complement: COL6A3 is on the minus strand). VCF-style: chr2-237334381-A-T. GRCh37 (hg19) VCF-style: chr2-238243024-A-T.
Other names: c.7408+245T>A (NM_057166.5); c.8611+245T>A (NM_057167.4).
Identifiers: ClinVar variation 677543 (VCV000677543.1), dbSNP rs76843818, ClinGen allele CA11142063.